The following is an entry in ClinVar:

NM_001332.4:c.175-20096_1628+1772del

Gene: CTNND2 (catenin delta 2; minus strand).
Variant type: Deletion.
Other names: c.175-20096_1628+1772del (NM_001332.4).
Identifiers: ClinVar variation 4890715 (VCV004890715.1).

ClinVar aggregate classification (germline): Pathogenic (1 of 4 stars; one submission).

Conditions:
CTNND2-associated neurodevelopmental disorder.

Submission:

Institute of Human Genetics, University of Leipzig Medical Center
Classification: Pathogenic for CTNND2-associated neurodevelopmental disorder. Last evaluated: 2026-07-14. Review status: criteria provided, single submitter. Criteria: ACMG Guidelines, 2015. Collection method: clinical testing. Allele origin: unknown. Inheritance: Autosomal dominant inheritance. Affected: yes.
Comment: Criteria applied: PVS1,PM2

Literature cited by the submitters: PubMed 41502569.